The following is an entry in ClinVar:

ClinVar aggregate classification (germline): Pathogenic (1 of 4 stars; one submission).

Submission:

Labcorp Genetics (formerly Invitae), Labcorp
Classification: Pathogenic. Last evaluated: 2023-07-27. Review status: criteria provided, single submitter. Criteria: Invitae Variant Classification Sherloc (09022015). Collection method: clinical testing. Allele origin: germline.
Comment: For these reasons, this variant has been classified as Pathogenic. This variant has not been reported in the literature in individuals affected with TULP1-related conditions. This sequence change creates a premature translational stop signal (p.Lys261Alafs*48) in the TULP1 gene. It is expected to result in an absent or disrupted protein product. Loss-of-function variants in TULP1 are known to be pathogenic (PMID: 8606774, 10549638, 15024725, 18055821). This variant is not present in population databases (gnomAD no frequency).

Literature cited by the submitters: PubMed 8606774; PubMed 10549638; PubMed 15024725; PubMed 18055821.

NM_003322.6(TULP1):c.780_783del (p.Lys261fs)

Gene: TULP1 (TUB like protein 1; minus strand). Cytogenetic location: 6p21.31.
Variant type: Deletion.
Coding change: c.780_783del on transcript NM_003322.6 (MANE Select); coding-DNA positions 780 to 783, 4 bases deleted (GAAG; older notation c.780_783delGAAG).
Protein change: p.Lys261fs; shifts the reading frame from lysine 261.
Molecular consequence: frameshift variant.
Genome position (GRCh38, 1-based): chr6:35,509,248-35,509,251, CTTC deleted on the plus strand (GAAG on the coding strand, the reverse complement: TULP1 is on the minus strand). VCF-style (leftmost placement, unchanged base first): chr6-35509247-TCTTC-T. GRCh37 (hg19) VCF-style: chr6-35477024-TCTTC-T.
Other names: c.621_624del, p.Lys208fs (NM_001289395.2); short protein forms K261fs, K208fs.
Identifiers: ClinVar variation 2747418 (VCV002747418.3), dbSNP rs2533802218, ClinGen allele CA2697553304.